The following is an entry in ClinVar:

ClinVar aggregate classification (germline): Likely benign. Review status: criteria provided, multiple submitters, no conflicts (2 of 4 stars). 2 submissions from 2 submitters: Likely benign (2). Last evaluated 2024-04-06.

Conditions:
Left ventricular noncompaction 1 (LVNC1). Also called: LEFT VENTRICULAR NONCOMPACTION 1 WITH OR WITHOUT CONGENITAL HEART DEFECTS. Identifiers: Orphanet 54260, MedGen C1858725, MONDO:0011403, OMIM 604169.

Allele frequency attached by ClinVar (database versions not stated): gnomAD 0.00004; TOPMed 0.00007; ESP Exome Variant Server 0.00008.
gnomAD v4.1: 44 of 1,613,800 alleles (0.0027%); highest among the groups gnomAD compares: African/African-American, 0.011%; no homozygotes.

Submissions (2):

Labcorp Genetics (formerly Invitae), Labcorp
Classification: Likely benign for Left ventricular noncompaction 1. Last evaluated: 2024-04-06. Review status: criteria provided, single submitter. Criteria: Invitae Variant Classification Sherloc (09022015). Collection method: clinical testing. Allele origin: germline.

GeneDx
Classification: Likely benign. Last evaluated: 2017-10-11. Review status: criteria provided, single submitter. Criteria: GeneDx Variant Classification (06012015). Collection method: clinical testing. Allele origin: germline. Affected: yes.
Comment: This variant is considered likely benign or benign based on one or more of the following criteria: it is a conservative change, it occurs at a poorly conserved position in the protein, it is predicted to be benign by multiple in silico algorithms, and/or has population frequency not consistent with disease.

NM_001386795.1(DTNA):c.1431G>A (p.Ser477=)

Gene: DTNA (dystrobrevin alpha; plus strand). Cytogenetic location: 18q12.1.
Variant type: single nucleotide variant.
Coding change: c.1431G>A on transcript NM_001386795.1 (MANE Select); coding-DNA position 1431, G replaced by A.
Protein change: p.Ser477=; no amino-acid change (serine 477 retained).
Molecular consequence: synonymous variant. On other transcripts: intron variant (1).
Genome position (GRCh38, 1-based): chr18:34,848,380, G>A. VCF-style: chr18-34848380-G-A. GRCh37 (hg19) VCF-style: chr18-32428344-G-A.
Other names: c.1170G>A, p.Ser390= (NM_001198938.2, NM_001198939.2, NM_001198940.2 and 13 more transcripts); c.477G>A, p.Ser159= (NM_001198942.1); c.420G>A, p.Ser140= (NM_001198943.1); c.306G>A, p.Ser102= (NM_001198944.1); c.1260G>A, p.Ser420= (NM_001386754.1, NM_001386755.1, NM_001386756.1 and 5 more transcripts); c.1179G>A, p.Ser393= (NM_001386761.1, NM_001386762.1, NM_032975.4 and 1 more transcripts); c.1431G>A, p.Ser477= (NM_001386788.1); c.1350G>A, p.Ser450= (NM_001390.5, NM_001391.5); and 4 more.
Identifiers: ClinVar variation 512601 (VCV000512601.8), dbSNP rs202088347, ClinGen allele CA8935703.
Genomic context (GRCh38, chr18:34,848,380, plus strand): 5'-TGATGAAGAACACAGGCTAATTGCCAGGTATGCGGCAAGGCTGGCAGCAGAGTCCTCTTC[G>A]TCTGTAAGTAGTTGGAGTAAAAGGATTCGTCTGTTGGCATCTGGGATCCTTGAATTTTAT-3'
Protein context (NP_001373724.1, residues 467-487): YAARLAAESS[Ser477=]SQPPQQRSAP